The following is an entry in ClinVar:

NM_000141.5(FGFR2):c.1747G>A (p.Gly583Arg)

Gene: FGFR2 (fibroblast growth factor receptor 2; minus strand). Cytogenetic location: 10q26.13.
Variant type: single nucleotide variant.
Coding change: c.1747G>A on transcript NM_000141.5 (MANE Select); coding-DNA position 1747, G replaced by A.
Protein change: p.Gly583Arg; replaces glycine 583 with arginine.
Molecular consequence: missense variant. On other transcripts: non-coding transcript variant (1).
Genome position (GRCh38, 1-based): chr10:121,496,648, C>T on the plus strand (G>A on the coding strand, the complement: FGFR2 is on the minus strand). VCF-style: chr10-121496648-C-T. GRCh37 (hg19) VCF-style: chr10-123256162-C-T.
Other names: c.1750G>A, p.Gly584Arg (NM_001144913.1, NM_022970.4); c.1411G>A, p.Gly471Arg (NM_001144914.1); c.1480G>A, p.Gly494Arg (NM_001144915.2, NM_023029.3); c.1402G>A, p.Gly468Arg (NM_001144916.2, NM_001441090.1); c.1399G>A, p.Gly467Arg (NM_001144917.2); c.1396G>A, p.Gly466Arg (NM_001144918.2, NM_001441091.1); c.1483G>A, p.Gly495Arg (NM_001144919.2); c.1063G>A, p.Gly355Arg (NM_001320654.2); and 4 more; short protein forms G355R, G492R, G584R, G583R, G471R, G493R, G494R, G582R.
Identifiers: ClinVar variation 5007620 (VCV005007620.2).

ClinVar aggregate classification (germline): Uncertain significance (1 of 4 stars; one submission).

Conditions:
Saethre-Chotzen syndrome (SCS). Also called: ACROCEPHALY, SKULL ASYMMETRY, AND MILD SYNDACTYLY; ACS III; CHOTZEN SYNDROME. Identifiers: Orphanet 794, MedGen C0175699, MONDO:0007042, OMIM 101400.
LADD syndrome 1 (LADD1). Also called: Lacrimoauriculodentodigital syndrome 1. Identifiers: MedGen C5774323, MONDO:0100302, OMIM 149730.
Beare-Stevenson cutis gyrata syndrome (BSTVS). Identifiers: Orphanet 1555, MedGen C1852406, MONDO:0007412, OMIM 123790.
Crouzon syndrome. Also called: Craniofacial dysostosis; Craniofacial dysostosis type 1; Crouzon craniofacial dysostosis; Crouzon disease; CRANIOFACIAL DYSOSTOSIS, TYPE I. Identifiers: Orphanet 207, MedGen C0010273, MeSH D003394, MONDO:0007405, OMIM 123500, HP:0004439.
Acrocephalosyndactyly type I (ACS1). Also called: Acrocephalo-syndactyly type 1; ACS 1; Syndactylic oxycephaly; Apert syndrome. Identifiers: Orphanet 87, MedGen C0001193, MONDO:0007041, OMIM 101200.
Gastric cancer. Also called: Stomach cancer; Malignant tumor of stomach. Identifiers: MedGen C0024623, MeSH D013274, MONDO:0001056, OMIM 613659, HP:0012126.
Bent bone dysplasia syndrome 1 (BBDS1). Also called: FGFR2-related bent bone dysplasia. Identifiers: Orphanet 313855, MedGen C3281247, MONDO:0013815, OMIM 614592.
Familial scaphocephaly syndrome, McGillivray type. Also called: SCAPHOCEPHALY, MAXILLARY RETRUSION, AND IMPAIRED INTELLECTUAL DEVELOPMENT. Identifiers: Orphanet 168624, MedGen C1865070, MONDO:0012307, OMIM 609579.
Antley-Bixler syndrome without genital anomalies or disordered steroidogenesis (ABS2). Also called: MULTISYNOSTOTIC OSTEODYSGENESIS WITH LONG BONE FRACTURES; Trapezoidocephaly synostosis syndrome; Osteodysgenesis, multisynostotic with fractures; Antley-Bixler Syndrome, Autosomal Dominant. Identifiers: Orphanet 596008, Orphanet 83, MedGen C2936791, MONDO:0020667, OMIM 207410.
Pfeiffer syndrome (ACS5). Also called: ACS V. Identifiers: Orphanet 710, MedGen C0220658, MONDO:0007043, OMIM 101600.
Jackson-Weiss syndrome (JWS). Also called: CRANIOSYNOSTOSIS, MIDFACIAL HYPOPLASIA, AND FOOT ABNORMALITIES. Identifiers: Orphanet 1540, MedGen C0795998, MONDO:0007400, OMIM 123150. Disease mechanism: loss of function.

gnomAD v4.1: 5 of 1,611,340 alleles (0.00031%); highest among the groups gnomAD compares: East Asian, 0.0022%; no homozygotes.

Submission:

Juno Genomics, Hangzhou Juno Genomics, Inc
Classification: Uncertain significance for LADD syndrome 1; Familial scaphocephaly syndrome, McGillivray type; Antley-Bixler syndrome without genital anomalies or disordered steroidogenesis; Acrocephalosyndactyly type I; Beare-Stevenson cutis gyrata syndrome; Bent bone dysplasia syndrome 1; Pfeiffer syndrome; Crouzon syndrome; Gastric cancer; Jackson-Weiss syndrome; Saethre-Chotzen syndrome. Review status: criteria provided, single submitter. Criteria: ACMG Guidelines, 2015. Collection method: clinical testing. Allele origin: germline.
Comment: Absent from controls (or at extremely low frequency if recessive) in Genome Aggregation Database.;Multiple lines of computational evidence support a deleterious effect on the gene or gene product.